The following is an entry in ClinVar:

NM_014991.6(WDFY3):c.7044G>C (p.Glu2348Asp)

Gene: WDFY3 (WD repeat and FYVE domain containing 3; minus strand). Cytogenetic location: 4q21.23.
Variant type: single nucleotide variant.
Coding change: c.7044G>C on transcript NM_014991.6 (MANE Select); coding-DNA position 7044, G replaced by C.
Protein change: p.Glu2348Asp; replaces glutamic acid 2348 with aspartic acid.
Molecular consequence: missense variant.
Genome position (GRCh38, 1-based): chr4:84,733,559, C>G on the plus strand (G>C on the coding strand, the complement: WDFY3 is on the minus strand). VCF-style: chr4-84733559-C-G. GRCh37 (hg19) VCF-style: chr4-85654712-C-G.
Other names: short protein forms E2348D.
Identifiers: ClinVar variation 3777440 (VCV003777440.1).

ClinVar aggregate classification (germline): Uncertain significance (1 of 4 stars; one submission).

Submission:

GeneDx
Classification: Uncertain significance. Last evaluated: 2024-10-09. Review status: criteria provided, single submitter. Criteria: GeneDx Variant Classification Process June 2021. Collection method: clinical testing. Allele origin: germline. Affected: yes.
Comment: Not observed at significant frequency in large population cohorts (gnomAD); In silico analysis supports that this missense variant has a deleterious effect on protein structure/function; Has not been previously published as pathogenic or benign to our knowledge